The following is an entry in ClinVar:

ClinVar aggregate classification (germline): Uncertain significance. Review status: criteria provided, multiple submitters, no conflicts (2 of 4 stars). 2 submissions from 2 submitters: Uncertain significance (2). Last evaluated 2022-08-07.

Conditions:
Hereditary sensory and autonomic neuropathy type 6. Also called: HSAN VI; Neuropathy, hereditary sensory and autonomic, type VI. Identifiers: Orphanet 314381, MedGen C3539003, MONDO:0013839, OMIM 614653.
Epidermolysis bullosa simplex 3, localized or generalized intermediate, with BP230 deficiency (EBS3). Also called: Epidermolysis bullosa simplex, autosomal recessive 2; Epidermolysis bullosa simplex due to BP230 deficiency. Identifiers: Orphanet 412181, MedGen C3809470, MONDO:0014180, OMIM 615425.

Allele frequency attached by ClinVar (database versions not stated): ESP Exome Variant Server 0.00008; TOPMed 0.00008; gnomAD 0.00010 and 0.00011.
gnomAD v4.1: 341 of 1,614,028 alleles (0.021%); highest among the groups gnomAD compares: Non-Finnish European, 0.028%; no homozygotes.

Submissions (2):

Labcorp Genetics (formerly Invitae), Labcorp
Classification: Uncertain significance for Epidermolysis bullosa simplex 3, localized or generalized intermediate, with BP230 deficiency; Hereditary sensory and autonomic neuropathy type 6. Last evaluated: 2022-08-07. Review status: criteria provided, single submitter. Criteria: Invitae Variant Classification Sherloc (09022015). Collection method: clinical testing. Allele origin: germline.
Comment: This sequence change replaces valine, which is neutral and non-polar, with leucine, which is neutral and non-polar, at codon 2542 of the DST protein (p.Val2542Leu). This variant is present in population databases (rs200037204, gnomAD 0.01%). This variant has not been reported in the literature in individuals affected with DST-related conditions. ClinVar contains an entry for this variant (Variation ID: 474551). Algorithms developed to predict the effect of missense changes on protein structure and function (SIFT, PolyPhen-2, Align-GVGD) all suggest that this variant is likely to be tolerated. In summary, the available evidence is currently insufficient to determine the role of this variant in disease. Therefore, it has been classified as a Variant of Uncertain Significance.

Department of Pathology and Laboratory Medicine, Sinai Health System
Classification: Uncertain significance for hereditary sensory and autonomic neuropathy type 6. Last evaluated: 2020-05-06. Review status: criteria provided, single submitter. Criteria: ACMG Guidelines, 2015. Collection method: research. Allele origin: germline.

NM_001723.7(DST):c.7624G>C (p.Val2542Leu)

Gene: DST (dystonin; minus strand). Cytogenetic location: 6p12.1.
Variant type: single nucleotide variant.
Coding change: c.7624G>C on transcript NM_001723.7 (MANE Plus Clinical); coding-DNA position 7624, G replaced by C.
Protein change: p.Val2542Leu; replaces valine 2542 with leucine.
Molecular consequence: missense variant. On other transcripts: intron variant (10).
Genome position (GRCh38, 1-based): chr6:56,615,843, C>G on the plus strand (G>C on the coding strand, the complement: DST is on the minus strand). VCF-style: chr6-56615843-C-G. GRCh37 (hg19) VCF-style: chr6-56480641-C-G.
Other names: c.4831-1359G>C (NM_001144769.5); c.4930-1359G>C (NM_001374722.1, NM_001374736.1); c.4957-1359G>C (NM_001374734.1); c.4417-1359G>C (NM_001144770.2); c.4297-1359G>C (NM_001374730.1, NM_001386100.1, NM_183380.4 and 1 more transcripts); c.3319-1359G>C (NM_015548.5); short protein forms V2542L.
Identifiers: ClinVar variation 474551 (VCV000474551.7), dbSNP rs200037204, ClinGen allele CA3869921.